The following is an entry in ClinVar:

ClinVar aggregate classification (germline): Uncertain significance (1 of 4 stars; one submission).

Conditions:
Myofibrillar myopathy 4. Also called: Zaspopathy (type). Identifiers: Orphanet 98912, MedGen C4721886, MONDO:0012277, OMIM 609452.

Allele frequency attached by ClinVar (database versions not stated): gnomAD exomes below 0.00001.
gnomAD v4.1: 3 of 1,613,176 alleles (0.00019%); highest among the groups gnomAD compares: Middle Eastern, 0.017%; no homozygotes.

Submission:

Labcorp Genetics (formerly Invitae), Labcorp
Classification: Uncertain significance for Myofibrillar myopathy 4. Last evaluated: 2025-07-03. Review status: criteria provided, single submitter. Criteria: Invitae Variant Classification Sherloc (09022015). Collection method: clinical testing. Allele origin: germline.
Comment: The LDB3 gene has multiple clinically relevant transcripts. This variant occurs in alternate transcript NM_007078.3, and corresponds to NM_001080116.1:c.*33595A>G in the primary transcript. This sequence change replaces asparagine, which is neutral and polar, with serine, which is neutral and polar, at codon 726 of the LDB3 protein (p.Asn726Ser). This variant is present in population databases (no rsID available, gnomAD 0.0009%). This variant has not been reported in the literature in individuals affected with LDB3-related conditions. Experimental studies and prediction algorithms are not available or were not evaluated, and the functional significance of this variant is currently unknown. In summary, the available evidence is currently insufficient to determine the role of this variant in disease. Therefore, it has been classified as a Variant of Uncertain Significance.

NM_007078.3(LDB3):c.2177A>G (p.Asn726Ser)

Gene: LDB3 (LIM domain binding 3; plus strand). Cytogenetic location: 10q23.2.
Variant type: single nucleotide variant.
Coding change: c.2177A>G on transcript NM_007078.3 (MANE Select); coding-DNA position 2177, A replaced by G.
Protein change: p.Asn726Ser; replaces asparagine 726 with serine.
Molecular consequence: missense variant.
Genome position (GRCh38, 1-based): chr10:86,732,969, A>G. VCF-style: chr10-86732969-A-G. GRCh37 (hg19) VCF-style: chr10-88492726-A-G.
Other names: c.1847A>G, p.Asn616Ser (NM_001080114.2); c.2192A>G, p.Asn731Ser (NM_001171610.2); c.1988A>G, p.Asn663Ser (NM_001368064.1, NM_001368065.1); c.2036A>G, p.Asn679Ser (NM_001368066.1); short protein forms N663S, N679S, N726S, N616S, N731S.
Identifiers: ClinVar variation 1038576 (VCV001038576.7), dbSNP rs1335747231, ClinGen allele CA377460556.